The following is an entry in ClinVar:

ClinVar aggregate classification (germline): Uncertain significance. Review status: criteria provided, multiple submitters, no conflicts (2 of 4 stars). 2 submissions from 2 submitters: Uncertain significance (2). Last evaluated 2022-10-14.

Conditions:
Inborn genetic diseases. Identifiers: MedGen C0950123, MeSH D030342.

Allele frequency attached by ClinVar (database versions not stated): gnomAD 0.00001; gnomAD exomes 0.00001; ExAC 0.00002; TOPMed 0.00002.
gnomAD v4.1: 13 of 1,613,842 alleles (0.00081%); highest among the groups gnomAD compares: East Asian, 0.0022%; no homozygotes.

Submissions (2):

Labcorp Genetics (formerly Invitae), Labcorp
Classification: Uncertain significance. Last evaluated: 2022-10-14. Review status: criteria provided, single submitter. Criteria: Invitae Variant Classification Sherloc (09022015). Collection method: clinical testing. Allele origin: germline.
Comment: Algorithms developed to predict the effect of missense changes on protein structure and function output the following: SIFT: "Tolerated"; PolyPhen-2: "Benign"; Align-GVGD: "Class C0". The methionine amino acid residue is found in multiple mammalian species, which suggests that this missense change does not adversely affect protein function. This variant has not been reported in the literature in individuals affected with ATR-related conditions. This variant is present in population databases (rs778590904, gnomAD 0.03%). This sequence change replaces valine, which is neutral and non-polar, with methionine, which is neutral and non-polar, at codon 567 of the ATR protein (p.Val567Met). Algorithms developed to predict the effect of sequence changes on RNA splicing suggest that this variant may create or strengthen a splice site. In summary, the available evidence is currently insufficient to determine the role of this variant in disease. Therefore, it has been classified as a Variant of Uncertain Significance.

Ambry Genetics
Classification: Uncertain significance for Inborn genetic diseases. Last evaluated: 2021-10-30. Review status: criteria provided, single submitter. Criteria: Ambry Variant Classification Scheme 2023. Collection method: clinical testing. Allele origin: germline.
Comment: The p.V567M variant (also known as c.1699G>A), located in coding exon 7 of the ATR gene, results from a G to A substitution at nucleotide position 1699. The valine at codon 567 is replaced by methionine, an amino acid with highly similar properties. This amino acid position is conserved. In addition, this alteration is predicted to be tolerated by in silico analysis. Since supporting evidence is limited at this time, the clinical significance of this alteration remains unclear.

NM_001184.4(ATR):c.1699G>A (p.Val567Met)

Gene: ATR (ATR checkpoint kinase; minus strand). Cytogenetic location: 3q23.
Variant type: single nucleotide variant.
Coding change: c.1699G>A on transcript NM_001184.4 (MANE Select); coding-DNA position 1699, G replaced by A.
Protein change: p.Val567Met; replaces valine 567 with methionine.
Molecular consequence: missense variant.
Genome position (GRCh38, 1-based): chr3:142,559,284, C>T on the plus strand (G>A on the coding strand, the complement: ATR is on the minus strand). VCF-style: chr3-142559284-C-T. GRCh37 (hg19) VCF-style: chr3-142278126-C-T.
Other names: c.1507G>A, p.Val503Met (NM_001354579.2); short protein forms V503M, V567M.
Identifiers: ClinVar variation 1778292 (VCV001778292.6), dbSNP rs778590904, ClinGen allele CA2650538.